The following is an entry in ClinVar:

NM_018192.4(P3H2):c.1280T>C (p.Met427Thr)

Gene: P3H2 (prolyl 3-hydroxylase 2; minus strand). Cytogenetic location: 3q28.
Variant type: single nucleotide variant.
Coding change: c.1280T>C on transcript NM_018192.4 (MANE Select); coding-DNA position 1280, T replaced by C.
Protein change: p.Met427Thr; replaces methionine 427 with threonine.
Molecular consequence: missense variant.
Genome position (GRCh38, 1-based): chr3:189,983,090, A>G on the plus strand (T>C on the coding strand, the complement: P3H2 is on the minus strand). VCF-style: chr3-189983090-A-G. GRCh37 (hg19) VCF-style: chr3-189700879-A-G.
Other names: c.737T>C, p.Met246Thr (NM_001134418.2); short protein forms M246T, M427T.
Identifiers: ClinVar variation 840313 (VCV000840313.6), dbSNP rs367945801, ClinGen allele CA2752992.

ClinVar aggregate classification (germline): Conflicting classifications of pathogenicity. Review status: criteria provided, conflicting classifications (1 of 4 stars). 3 submissions from 3 submitters: Uncertain significance (2); Likely benign (1). Last evaluated 2024-06-27.

Conditions:
Inborn genetic diseases. Identifiers: MedGen C0950123, MeSH D030342.

Allele frequency attached by ClinVar (database versions not stated): gnomAD exomes 0.00001 and 0.00004; gnomAD 0.00004 and 0.00005; TOPMed 0.00005; ExAC 0.00006.
gnomAD v4.1: 46 of 1,613,740 alleles (0.0029%); highest among the groups gnomAD compares: East Asian, 0.025%; 2 homozygotes.

Submissions (3):

Blueprint Genetics
Classification: Likely benign. Last evaluated: 2024-06-27. Review status: criteria provided, single submitter. Criteria: ACMG Guidelines, 2015. Collection method: clinical testing. Allele origin: germline.

Ambry Genetics
Classification: Uncertain significance for Inborn genetic diseases. Last evaluated: 2023-12-15. Review status: criteria provided, single submitter. Criteria: Ambry Variant Classification Scheme 2023. Collection method: clinical testing. Allele origin: germline.

Labcorp Genetics (formerly Invitae), Labcorp
Classification: Uncertain significance. Last evaluated: 2023-11-06. Review status: criteria provided, single submitter. Criteria: Invitae Variant Classification Sherloc (09022015). Collection method: clinical testing. Allele origin: germline.
Comment: This sequence change replaces methionine, which is neutral and non-polar, with threonine, which is neutral and polar, at codon 427 of the P3H2 protein (p.Met427Thr). This variant is present in population databases (rs367945801, gnomAD 0.06%). This variant has not been reported in the literature in individuals affected with P3H2-related conditions. ClinVar contains an entry for this variant (Variation ID: 840313). Advanced modeling of protein sequence and biophysical properties (such as structural, functional, and spatial information, amino acid conservation, physicochemical variation, residue mobility, and thermodynamic stability) performed at Invitae indicates that this missense variant is not expected to disrupt P3H2 protein function with a negative predictive value of 80%. In summary, the available evidence is currently insufficient to determine the role of this variant in disease. Therefore, it has been classified as a Variant of Uncertain Significance.